The following is an entry in ClinVar:

ClinVar aggregate classification (germline): Uncertain significance (1 of 4 stars; one submission).

Conditions:
Kabuki syndrome. Also called: Kabuki make-up syndrome; NIIKAWA-KUROKI SYNDROME. Identifiers: Orphanet 2322, MedGen C0796004, MONDO:0016512.

Submission:

Labcorp Genetics (formerly Invitae), Labcorp
Classification: Uncertain significance for Kabuki syndrome. Last evaluated: 2025-03-31. Review status: criteria provided, single submitter. Criteria: Invitae Variant Classification Sherloc (09022015). Collection method: clinical testing. Allele origin: germline.
Comment: This sequence change replaces histidine, which is basic and polar, with proline, which is neutral and non-polar, at codon 37 of the KMT2D protein (p.His37Pro). This variant is not present in population databases (gnomAD no frequency). This variant has not been reported in the literature in individuals affected with KMT2D-related conditions. ClinVar contains an entry for this variant (Variation ID: 2764783). Invitae Evidence Modeling of protein sequence and biophysical properties (such as structural, functional, and spatial information, amino acid conservation, physicochemical variation, residue mobility, and thermodynamic stability) indicates that this missense variant is not expected to disrupt KMT2D protein function with a negative predictive value of 95%. In summary, the available evidence is currently insufficient to determine the role of this variant in disease. Therefore, it has been classified as a Variant of Uncertain Significance.

NM_003482.4(KMT2D):c.110A>C (p.His37Pro)

Gene: KMT2D (lysine methyltransferase 2D; minus strand). Cytogenetic location: 12q13.12.
Variant type: single nucleotide variant.
Coding change: c.110A>C on transcript NM_003482.4 (MANE Select); coding-DNA position 110, A replaced by C.
Protein change: p.His37Pro; replaces histidine 37 with proline.
Molecular consequence: missense variant.
Genome position (GRCh38, 1-based): chr12:49,054,966, T>G on the plus strand (A>C on the coding strand, the complement: KMT2D is on the minus strand). VCF-style: chr12-49054966-T-G. GRCh37 (hg19) VCF-style: chr12-49448749-T-G.
Other names: short protein forms H37P.
Identifiers: ClinVar variation 2764783 (VCV002764783.3), dbSNP rs1409291268, ClinGen allele CA384690460.